The following is an entry in ClinVar:

ClinVar aggregate classification (germline): Uncertain significance (1 of 4 stars; one submission).

Allele frequency attached by ClinVar (database versions not stated): gnomAD exomes below 0.00001; ExAC 0.00001.

Submission:

Labcorp Genetics (formerly Invitae), Labcorp
Classification: Uncertain significance. Last evaluated: 2023-11-27. Review status: criteria provided, single submitter. Criteria: Invitae Variant Classification Sherloc (09022015). Collection method: clinical testing. Allele origin: germline.
Comment: This sequence change replaces proline, which is neutral and non-polar, with serine, which is neutral and polar, at codon 211 of the BSND protein (p.Pro211Ser). This variant is present in population databases (rs754955966, gnomAD 0.006%). This variant has not been reported in the literature in individuals affected with BSND-related conditions. ClinVar contains an entry for this variant (Variation ID: 2158225). Advanced modeling of protein sequence and biophysical properties (such as structural, functional, and spatial information, amino acid conservation, physicochemical variation, residue mobility, and thermodynamic stability) performed at Invitae indicates that this missense variant is not expected to disrupt BSND protein function with a negative predictive value of 80%. In summary, the available evidence is currently insufficient to determine the role of this variant in disease. Therefore, it has been classified as a Variant of Uncertain Significance.

NM_057176.3(BSND):c.631C>T (p.Pro211Ser)

Gene: BSND (barttin CLCNK type accessory subunit beta; plus strand). Cytogenetic location: 1p32.3.
Variant type: single nucleotide variant.
Coding change: c.631C>T on transcript NM_057176.3 (MANE Select); coding-DNA position 631, C replaced by T.
Protein change: p.Pro211Ser; replaces proline 211 with serine.
Molecular consequence: missense variant.
Genome position (GRCh38, 1-based): chr1:55,008,296, C>T. VCF-style: chr1-55008296-C-T. GRCh37 (hg19) VCF-style: chr1-55473969-C-T.
Other names: short protein forms P211S.
Identifiers: ClinVar variation 2158225 (VCV002158225.4), dbSNP rs754955966, ClinGen allele CA871387.